The following is an entry in ClinVar:

ClinVar aggregate classification (germline): Pathogenic (1 of 4 stars; one submission).

Conditions:
Autosomal dominant nonsyndromic hearing loss 15 (DFNA15). Also called: Autosomal dominant nonsyndromic hearing loss 52; DEAFNESS, AUTOSOMAL DOMINANT 52. Identifiers: Orphanet 90635, MedGen C1865366, MONDO:0011226, OMIM 602459.

Submission:

Precision Medicine Center, Zhengzhou University
Classification: Pathogenic for Autosomal dominant nonsyndromic hearing loss 15. Last evaluated: 2006-06-30. Review status: criteria provided, single submitter. Criteria: ClinGen HL ACMG Specifications v1. Collection method: clinical testing. Allele origin: de novo. Affected: yes.
Comment: PVS1+PS2+PM2: The POU4F3 c.625_628dup variant is a duplication predicted to cause a frameshift, resulting in a premature termination codon and likely leading to nonsense-mediated mRNA decay or production of a truncated protein. Haploinsufficiency (loss of function) is an established disease mechanism for POU4F3-related autosomal dominant hearing loss; therefore, this variant meets the PVS1 criterion. The variant is absent or extremely rare in population databases, including gnomAD, supporting its rarity in the general population (PM2). Based on the ACMG/AMP guidelines, this variant meets the criteria PVS1, PS2, and PM2, and is therefore classified as Pathogenic.

NM_002700.3(POU4F3):c.625_628dup (p.Ala210fs)

Genes: RBM27-POU4F3 (RBM27-POU4F3 readthrough; plus strand), POU4F3 (POU class 4 homeobox 3; plus strand). Cytogenetic location: 5q32.
Variant type: Duplication.
Coding change: c.625_628dup on transcript NM_002700.3 (MANE Select); coding-DNA positions 625 to 628, 4 bases duplicated (GGCG; older notation c.625_628dupGGCG).
Protein change: p.Ala210fs; shifts the reading frame from alanine 210.
Molecular consequence: frameshift variant. On other transcripts: 3 prime UTR variant (1).
Genome position (GRCh38, 1-based): chr5:146,340,052-146,340,055, GGCG duplicated; duplicating any 4 consecutive bases within chr5:146,340,051-146,340,055 gives the same sequence; the c. name uses the placement nearest the transcript's 3' end. VCF-style (leftmost placement, unchanged base first): chr5-146340050-T-TGGGC. GRCh37 (hg19) VCF-style: chr5-145719613-T-TGGGC.
Other names: c.*494_*497dup (NM_001414499.1); short protein forms A210fs.
Identifiers: ClinVar variation 4857382 (VCV004857382.1).